The following is an entry in ClinVar:

NM_016194.4(GNB5):c.22G>T (p.Val8Phe)

Genes: CERNA1 (competing endogenous lncRNA 1 for miR-4707-5p and miR-4767; plus strand), GNB5 (G protein subunit beta 5; minus strand). Cytogenetic location: 15q21.2.
Variant type: single nucleotide variant.
Coding change: c.22G>T on transcript NM_016194.4 (MANE Select); coding-DNA position 22, G replaced by T.
Protein change: p.Val8Phe; replaces valine 8 with phenylalanine.
Molecular consequence: missense variant.
Genome position (GRCh38, 1-based): chr15:52,184,655, C>A on the plus strand (G>T on the coding strand, the complement: GNB5 is on the minus strand). VCF-style: chr15-52184655-C-A. GRCh37 (hg19) VCF-style: chr15-52476852-C-A.
Other names: short protein forms V8F.
Identifiers: ClinVar variation 4282391 (VCV004282391.2).
Genomic context (GRCh38, chr15:52,184,655, plus strand): 5'-TGAAAACTGGTCTCAGAGCTCGTTGTTTGAAACATTTGTCACATGAGCCAAATACATTAA[C>A]GAGAAAGGTCTGATCACACATCTTTTACCCAAGATAAAGCTGAAAAAAAGTGAAAAGAAG-3'
Protein context (NP_057278.2, residues 1-18): MCDQTFL[Val8Phe]NVFGSCDKCF

ClinVar aggregate classification (germline): Uncertain significance (1 of 4 stars; one submission).

gnomAD v4.1: 95 of 1,613,428 alleles (0.0059%); highest among the groups gnomAD compares: African/African-American, 0.1%; no homozygotes.

Submission:

GeneDx
Classification: Uncertain significance. Last evaluated: 2026-04-06. Review status: criteria provided, single submitter. Criteria: GeneDx Variant Classification Process June 2021. Collection method: clinical testing. Allele origin: germline.
Comment: In silico analysis suggests that this missense variant does not alter protein structure/function; Has not been previously published as pathogenic or benign to our knowledge